The following is an entry in ClinVar:

ClinVar aggregate classification (germline): Uncertain significance. Review status: criteria provided, single submitter (1 of 4 stars). 2 submissions from 2 submitters: Uncertain significance (1). 1 of the submissions does not count toward it. Last evaluated 2020-03-17.

Conditions:
MHC class II deficiency. Also called: BLS, TYPE II; Bare lymphocyte syndrome 2. Identifiers: Orphanet 572, MedGen C5447452, MONDO:0008855.

Allele frequency attached by ClinVar (database versions not stated): ExAC 0.00001; gnomAD exomes 0.00001.

Submissions (2):

Labcorp Genetics (formerly Invitae), Labcorp
Classification: Uncertain significance for MHC class II deficiency. Last evaluated: 2020-03-17. Review status: criteria provided, single submitter. Criteria: Invitae Variant Classification Sherloc (09022015). Collection method: clinical testing. Allele origin: germline.
Comment: In summary, the available evidence is currently insufficient to determine the role of this variant in disease. Therefore, it has been classified as a Variant of Uncertain Significance. Algorithms developed to predict the effect of missense changes on protein structure and function (SIFT, PolyPhen-2, Align-GVGD) all suggest that this variant is likely to be tolerated, but these predictions have not been confirmed by published functional studies and their clinical significance is uncertain. This variant has not been reported in the literature in individuals with CIITA-related conditions. This variant is present in population databases (rs757559019, ExAC 0.002%). This sequence change replaces threonine with methionine at codon 348 of the CIITA protein (p.Thr348Met). The threonine residue is weakly conserved and there is a moderate physicochemical difference between threonine and methionine.

Natera, Inc.
Classification: Uncertain significance for Bare lymphocyte syndrome type II. Last evaluated: 2020-04-15. Review status: no assertion criteria provided. Collection method: clinical testing. Allele origin: germline. Not counted in ClinVar's aggregate classification.

NM_000246.4(CIITA):c.1043C>T (p.Thr348Met)

Gene: CIITA (class II major histocompatibility complex transactivator; plus strand). Cytogenetic location: 16p13.13.
Variant type: single nucleotide variant.
Coding change: c.1043C>T on transcript NM_000246.4 (MANE Select); coding-DNA position 1043, C replaced by T.
Protein change: p.Thr348Met; replaces threonine 348 with methionine.
Molecular consequence: missense variant. On other transcripts: intron variant (1).
Genome position (GRCh38, 1-based): chr16:10,906,535, C>T. VCF-style: chr16-10906535-C-T. GRCh37 (hg19) VCF-style: chr16-11000392-C-T.
Other names: c.1046C>T, p.Thr349Met (NM_001379332.1, NM_001286402.1); c.1043C>T, p.Thr348Met (NM_001379333.1); c.974C>T, p.Thr325Met (NM_001379334.1); c.859+1723C>T (NM_001286403.2); c.899C>T, p.Thr300Met (NM_001379330.1); c.896C>T, p.Thr299Met (NM_001379331.1); short protein forms T299M, T300M, T325M, T348M, T349M.
Identifiers: ClinVar variation 1022686 (VCV001022686.10), dbSNP rs757559019, ClinGen allele CA7900040.
Genomic context (GRCh38, chr16:10,906,535, plus strand): 5'-CTGACACGCCCCTGGCCTTTGCAGAGCCGGTGGAGCAGTTCTACCGCTCACTGCAGGACA[C>T]GTATGGTGCCGAGCCCGCAGGCCCGGATGGCATCCTAGTGGAGGTGGATCTGGTGCAGGC-3'
Protein context (NP_000237.2, residues 338-358): VEQFYRSLQD[Thr348Met]YGAEPAGPDG